The following is an entry in ClinVar:

ClinVar aggregate classification (germline): Conflicting classifications of pathogenicity. Review status: criteria provided, conflicting classifications (1 of 4 stars). 8 submissions from 8 submitters: Uncertain significance (4); Likely benign (2). 2 of the submissions do not count toward it. Last evaluated 2026-02-03.

Conditions:
Lung cancer. Also called: Lung cancer, somatic; Malignant tumor of lung. Identifiers: MedGen C0242379, MONDO:0008903, OMIM 211980.
Inflammatory skin and bowel disease, neonatal, 2 (NNCIS). Identifiers: Orphanet 294023, MedGen C4015130, MONDO:0014481, OMIM 616069.
Hereditary cancer. Identifiers: MedGen C1333600.
EGFR-related disorder. Also called: EGFR-related condition.
Hereditary cancer-predisposing syndrome. Also called: Neoplastic Syndromes, Hereditary; Hereditary Cancer Syndrome; Tumor predisposition; Hereditary neoplastic syndrome. Identifiers: Orphanet 140162, MedGen C0027672, MeSH D009386, MONDO:0015356.
EGFR-related lung cancer (EGFR). Identifiers: MedGen CN130014.

Allele frequency attached by ClinVar (database versions not stated): gnomAD 0.00009 and 0.00012; gnomAD exomes 0.00028 and 0.00024; TOPMed 0.00016; ExAC 0.00030; 1000 Genomes Project 30x 0.00047; ESP Exome Variant Server 0.00031; 1000 Genomes Project 0.00060.
gnomAD v4.1: 369 of 1,614,084 alleles (0.023%); highest among the groups gnomAD compares: South Asian, 0.063%; 2 homozygotes.

Submissions (8):

Labcorp Genetics (formerly Invitae), Labcorp
Classification: Uncertain significance for EGFR-related lung cancer. Last evaluated: 2026-02-03. Review status: criteria provided, single submitter. Criteria: Invitae Variant Classification Sherloc (09022015). Collection method: clinical testing. Allele origin: germline.
Comment: This sequence change replaces arginine, which is basic and polar, with histidine, which is basic and polar, at codon 962 of the EGFR protein (p.Arg962His). This variant is present in population databases (rs144496976, gnomAD 0.07%), including at least one homozygous and/or hemizygous individual. This missense change has been observed in individual(s) with breast cancer, osteosarcoma, non-Hodgkin lymphoma, and nodular sclerosis Hodgkin lymphoma (PMID: 32191290, 34308104, 35264596). ClinVar contains an entry for this variant (Variation ID: 134027). Invitae Evidence Modeling of protein sequence and biophysical properties (such as structural, functional, and spatial information, amino acid conservation, physicochemical variation, residue mobility, and thermodynamic stability) indicates that this missense variant is expected to disrupt EGFR protein function with a positive predictive value of 80%. In summary, the available evidence is currently insufficient to determine the role of this variant in disease. Therefore, it has been classified as a Variant of Uncertain Significance.

GeneDx
Classification: Uncertain significance. Last evaluated: 2025-09-12. Review status: criteria provided, single submitter. Criteria: GeneDx Variant Classification Process June 2021. Collection method: clinical testing. Allele origin: germline.
Comment: In silico analysis supports that this missense variant has a deleterious effect on protein structure/function; This variant is associated with the following publications: (PMID: Sharma2023[Computational], 24728327, 34308104, 35264596, 32191290, 35957908, 29641532)

Unidad de Genética Molecular HGU Elche, Hospital General Universitario de Elche
Classification: Uncertain significance for Hereditary cancer-predisposing syndrome. Last evaluated: 2025-05-05. Review status: criteria provided, single submitter. Criteria: ACMG Guidelines, 2015. Collection method: clinical testing. Allele origin: germline. Affected: yes.
Comment: PM1 supporting; PM2 supporting; BP4 supporting

Ambry Genetics
Classification: Likely benign for Hereditary cancer-predisposing syndrome. Last evaluated: 2024-08-23. Review status: criteria provided, single submitter. Criteria: Ambry Variant Classification Scheme 2023. Collection method: clinical testing. Allele origin: germline.

Mendelics
Classification: Likely benign for Hereditary cancer. Last evaluated: 2024-04-09. Review status: criteria provided, single submitter. Criteria: ACMG Guidelines, 2015. Collection method: clinical testing. Allele origin: unknown.

Fulgent Genetics
Classification: Uncertain significance for Lung cancer; Inflammatory skin and bowel disease, neonatal, 2. Last evaluated: 2024-03-13. Review status: criteria provided, single submitter. Criteria: ACMG Guidelines, 2015. Collection method: clinical testing. Allele origin: germline.

PreventionGenetics, part of Exact Sciences
Classification: Uncertain significance for EGFR-related condition. Last evaluated: 2023-12-19. Review status: no assertion criteria provided. Collection method: clinical testing. Allele origin: germline. Not counted in ClinVar's aggregate classification.
Comment: The EGFR c.2885G>A variant is predicted to result in the amino acid substitution p.Arg962His. This variant has been reported in multiple individuals with breast cancer, osteosarcoma, and diffuse large B cell lymphoma (see for example, Table S3, Guindalini et al. 2022. PubMed ID: 35264596; Table S5, Mirabello et al. 2020. PubMed ID: 32191290; search 55268045 in Table S2, Kim et al. 2021. PubMed ID: 34308104). This variant is reported in 0.065% of alleles in individuals of South Asian descent in gnomAD. This variant has been classified as a variant of uncertain significance by other institutions in ClinVar. At this time, the clinical significance of this variant is uncertain due to the absence of conclusive functional and genetic evidence.

ITMI
No classification provided. Condition: AllHighlyPenetrant. Last evaluated: 2013-09-19. Review status: no classification provided. Collection method: reference population. Allele origin: germline. Not counted in ClinVar's aggregate classification.
Comment: Please see associated publication for description of ethnicities

Literature cited by the submitters: PubMed 32191290 (cited by Labcorp Genetics (formerly Invitae), Labcorp); PubMed 34308104 (cited by Labcorp Genetics (formerly Invitae), Labcorp); PubMed 35264596 (cited by Labcorp Genetics (formerly Invitae), Labcorp); PubMed 24728327 (cited by ITMI).

NM_005228.5(EGFR):c.2885G>A (p.Arg962His)

Gene: EGFR (epidermal growth factor receptor; plus strand). Cytogenetic location: 7p11.2.
Variant type: single nucleotide variant.
Coding change: c.2885G>A on transcript NM_005228.5 (MANE Select); coding-DNA position 2885, G replaced by A.
Protein change: p.Arg962His; replaces arginine 962 with histidine.
Molecular consequence: missense variant.
Genome position (GRCh38, 1-based): chr7:55,200,352, G>A. VCF-style: chr7-55200352-G-A. GRCh37 (hg19) VCF-style: chr7-55268045-G-A.
Other names: c.2750G>A, p.Arg917His (NM_001346897.2, NM_001346899.2); c.2885G>A, p.Arg962His (NM_001346898.2); c.2726G>A, p.Arg909His (NM_001346900.2); c.2084G>A, p.Arg695His (NM_001346941.2); c.2885G>A (NM_005228.4); short protein forms R962H, R695H, R909H, R917H.
Identifiers: ClinVar variation 134027 (VCV000134027.18), dbSNP rs144496976, ClinGen allele CA158459.